The following is an entry in ClinVar:

NM_000090.4(COL3A1):c.3525G>A (p.Glu1175=)

Gene: COL3A1 (collagen type III alpha 1 chain; plus strand). Cytogenetic location: 2q32.2.
Variant type: single nucleotide variant.
Coding change: c.3525G>A on transcript NM_000090.4 (MANE Select); coding-DNA position 3525, G replaced by A.
Protein change: p.Glu1175=; no amino-acid change (glutamic acid 1175 retained).
Molecular consequence: synonymous variant.
Genome position (GRCh38, 1-based): chr2:189,008,142, G>A. VCF-style: chr2-189008142-G-A. GRCh37 (hg19) VCF-style: chr2-189872868-G-A.
Identifiers: ClinVar variation 3076105 (VCV003076105.3), dbSNP rs2469163999, ClinGen allele CA430313824.

ClinVar aggregate classification (germline): Uncertain significance. Review status: criteria provided, multiple submitters, no conflicts (2 of 4 stars). 3 submissions from 3 submitters: Uncertain significance (3). Last evaluated 2025-12-03.

Conditions:
Familial thoracic aortic aneurysm and aortic dissection (TAAD). Also called: Thoracic aortic aneurysms and dissections. Identifiers: Orphanet 91387, MedGen C4707243, MONDO:0019625.
Ehlers-Danlos syndrome, type 4 (EDSVASC). Also called: Ehlers-Danlos Syndrome Type IV; Ehlers-Danlos syndrome vascular type; Ehlers Danlos syndrome, ecchymotic type; Ehlers Danlos syndrome, arterial type; Ehlers Danlos syndrome, Sack-Barabas type. Identifiers: Orphanet 286, MedGen C0268338, MONDO:0017314, OMIM 130050.

Allele frequency attached by ClinVar (database versions not stated): gnomAD exomes below 0.00001.
gnomAD v4.1: 2 of 1,610,038 alleles (0.00012%); highest among the groups gnomAD compares: Non-Finnish European, 0.00017%; no homozygotes.

Submissions (3):

Labcorp Genetics (formerly Invitae), Labcorp
Classification: Uncertain significance for Ehlers-Danlos syndrome, type 4. Last evaluated: 2025-12-03. Review status: criteria provided, single submitter. Criteria: Invitae Variant Classification Sherloc (09022015). Collection method: clinical testing. Allele origin: germline.
Comment: This sequence change affects codon 1175 of the COL3A1 mRNA. It is a 'silent' change, meaning that it does not change the encoded amino acid sequence of the COL3A1 protein. This variant also falls at the last nucleotide of exon 47, which is part of the consensus splice site for this exon. This variant is not present in population databases (gnomAD no frequency). This variant has not been reported in the literature in individuals affected with COL3A1-related conditions. ClinVar contains an entry for this variant (Variation ID: 3076105). Variants that disrupt the consensus splice site are a relatively common cause of aberrant splicing (PMID: 17576681, 9536098). Algorithms developed to predict the effect of sequence changes on RNA splicing suggest that this variant may create or strengthen a splice site. In summary, the available evidence is currently insufficient to determine the role of this variant in disease. Therefore, it has been classified as a Variant of Uncertain Significance.

GeneDx
Classification: Uncertain significance. Last evaluated: 2023-07-24. Review status: criteria provided, single submitter. Criteria: GeneDx Variant Classification Process June 2021. Collection method: clinical testing. Allele origin: germline. Affected: yes.
Comment: Has not been previously published as pathogenic or benign to our knowledge; Not observed at significant frequency in large population cohorts (gnomAD); In silico analysis supports a deleterious effect on splicing

Ambry Genetics
Classification: Uncertain significance for Familial thoracic aortic aneurysm and aortic dissection. Last evaluated: 2019-09-19. Review status: criteria provided, single submitter. Criteria: Ambry Variant Classification Scheme 2023. Collection method: clinical testing. Allele origin: germline.
Comment: The c.3525G>A (p.E1175E) alteration is located in exon 47 (coding exon 47) of the COL3A1 gene. This alteration consists of a G to A substitution at nucleotide position 3525. This nucleotide substitution does not change the amino acid at codon 1175. However, this change occurs in the last nucleotide of Exon 47 (c.3418_3525) which makes it likely to have some effect on normal mRNA splicing. Based on insufficient or conflicting evidence, the clinical significance of this alteration remains unclear.

Literature cited by the submitters: PubMed 17576681 (cited by Labcorp Genetics (formerly Invitae), Labcorp); PubMed 9536098 (cited by Labcorp Genetics (formerly Invitae), Labcorp).